The following is an entry in ClinVar:

ClinVar aggregate classification (germline): Conflicting classifications of pathogenicity. Review status: criteria provided, conflicting classifications (1 of 4 stars). 6 submissions from 6 submitters: Likely pathogenic (4); Uncertain significance (2). Last evaluated 2025-12-31.

Conditions:
Glutaric aciduria, type 1. Also called: Glutaric acidemia type I; Glutaric Acidemia Type 1; Glutaricaciduria, type I; GA I; Glutaricacidemia Type 1; Glutaryl-CoA dehydrogenase deficiency. Identifiers: Orphanet 25, MedGen C0268595, MONDO:0009281, OMIM 231670.

Allele frequency attached by ClinVar (database versions not stated): gnomAD exomes below 0.00001; TOPMed below 0.00001; gnomAD 0.00001.
gnomAD v4.1: 3 of 1,613,888 alleles (0.00019%); highest among the groups gnomAD compares: Admixed American, 0.0017%; no homozygotes.

Submissions (6):

Natera, Inc.
Classification: Likely pathogenic for Glutaric acidemia type 1. Last evaluated: 2025-12-31. Review status: criteria provided, single submitter. Criteria: Natera Variant Classification Schema (03/2026). Collection method: clinical testing. Allele origin: germline.
Comment: The c.1189G>A variant in GCDH is a missense variant predicted to cause substitution of glutamic acid to lysine at amino acid 397. This variant is rare in the general population with a frequency below the threshold expected for the associated phenotype(s). This variant has been observed in one or more individuals affected with the associated recessive disease, as either homozygous or compound heterozygous with a second variant (PMID: 40517577, 29665094, 35367405). Computational prediction algorithms indicate this variant is likely to affect gene or protein function. Given the available evidence, this variant is classified as Likely Pathogenic.

3billion
Classification: Likely pathogenic for Glutaric aciduria, type 1. Last evaluated: 2025-12-05. Review status: criteria provided, single submitter. Criteria: ACMG Guidelines, 2015. Collection method: clinical testing. Allele origin: germline. Affected: yes.
Comment: The variant is observed at an extremely low frequency in the gnomAD v4.1.0 dataset (total allele frequency: <0.001%). Predicted Consequence/Location: The variant is located in a mutational hot spot and/or well-established functional domain in which established pathogenic variants have been reported. In silico tool predictions suggest damaging effect of the variant on gene or gene product [REVEL: 0.95 (>=0.6, sensitivity 0.68 and specificity 0.92); 3Cnet: 0.97 (> 0.75, sensitivity 0.96 and precision 0.92)]. The same nucleotide change resulting in the same amino acid change has been previously reported to be associated with GCDH-related disorder (PMID: 29665094). Therefore, this variant is classified as Likely pathogenic according to the recommendation of ACMG/AMP guideline.

Myriad Genetics, Inc.
Classification: Likely pathogenic for Glutaric aciduria, type 1. Last evaluated: 2025-09-17. Review status: criteria provided, single submitter. Criteria: Myriad Autosomal Dominant, Autosomal Recessive and X-Linked Classification Criteria (2023). Collection method: clinical testing. Allele origin: unknown.
Comment: NM_000159.2(GCDH):c.1189G>A(E397K) is a missense variant classified as likely pathogenic in the context of glutaric acidemia, GCDH-related. E397K has been observed in cases with relevant disease (PMID: 29665094, 32508882, 35367405, 36913764, 40517577). Relevant functional assessments of this variant are not available in the literature. E397K has not been observed in referenced population frequency databases. In summary, NM_000159.2(GCDH):c.1189G>A(E397K) is a missense variant that has been observed more frequently in cases with the relevant disease than in healthy populations. Please note: this variant was assessed in the context of healthy population screening.

Labcorp Genetics (formerly Invitae), Labcorp
Classification: Uncertain significance for Glutaric aciduria, type 1. Last evaluated: 2025-06-02. Review status: criteria provided, single submitter. Criteria: Invitae Variant Classification Sherloc (09022015). Collection method: clinical testing. Allele origin: germline.
Comment: This sequence change replaces glutamic acid, which is acidic and polar, with lysine, which is basic and polar, at codon 397 of the GCDH protein (p.Glu397Lys). This variant is not present in population databases (gnomAD no frequency). This missense change has been observed in individual(s) with clinical features of glutaric acidemia type I (PMID: 29665094, 32508882, 36913764). ClinVar contains an entry for this variant (Variation ID: 459948). Invitae Evidence Modeling of protein sequence and biophysical properties (such as structural, functional, and spatial information, amino acid conservation, physicochemical variation, residue mobility, and thermodynamic stability) indicates that this missense variant is expected to disrupt GCDH protein function with a positive predictive value of 80%. In summary, the available evidence is currently insufficient to determine the role of this variant in disease. Therefore, it has been classified as a Variant of Uncertain Significance.

Fulgent Genetics
Classification: Likely pathogenic for Glutaric aciduria, type 1. Last evaluated: 2024-06-23. Review status: criteria provided, single submitter. Criteria: ACMG Guidelines, 2015. Collection method: clinical testing. Allele origin: germline.

Revvity Omics, Revvity
Classification: Uncertain significance for Glutaric aciduria, type 1. Last evaluated: 2024-01-23. Review status: criteria provided, single submitter. Criteria: ACMG Guidelines, 2015. Collection method: clinical testing. Allele origin: germline.

Literature cited by the submitters: PubMed 40517577 (cited by Natera, Inc. and Myriad Genetics, Inc.); PubMed 29665094 (cited by 4 submitters); PubMed 35367405 (cited by Natera, Inc. and Myriad Genetics, Inc.); PubMed 32508882 (cited by Myriad Genetics, Inc. and Labcorp Genetics (formerly Invitae), Labcorp); PubMed 36913764 (cited by Myriad Genetics, Inc. and Labcorp Genetics (formerly Invitae), Labcorp).

NM_000159.4(GCDH):c.1189G>A (p.Glu397Lys)

Gene: GCDH (glutaryl-CoA dehydrogenase; plus strand). Cytogenetic location: 19p13.13.
Variant type: single nucleotide variant.
Coding change: c.1189G>A on transcript NM_000159.4 (MANE Select); coding-DNA position 1189, G replaced by A.
Protein change: p.Glu397Lys; replaces glutamic acid 397 with lysine.
Molecular consequence: missense variant. On other transcripts: non-coding transcript variant (2).
Genome position (GRCh38, 1-based): chr19:12,897,809, G>A. VCF-style: chr19-12897809-G-A. GRCh37 (hg19) VCF-style: chr19-13008623-G-A.
Other names: c.1189G>A, p.Glu397Lys (NM_013976.5); short protein forms E397K.
Identifiers: ClinVar variation 459948 (VCV000459948.15), dbSNP rs1555751336, ClinGen allele CA404321719.